The following is an entry in ClinVar:

ClinVar aggregate classification (germline): Uncertain significance. Review status: criteria provided, multiple submitters, no conflicts (2 of 4 stars). 2 submissions from 2 submitters: Uncertain significance (2). Last evaluated 2025-05-06.

Allele frequency attached by ClinVar (database versions not stated): gnomAD exomes below 0.00001; gnomAD 0.00001; TOPMed 0.00001.

Submissions (2):

Labcorp Genetics (formerly Invitae), Labcorp
Classification: Uncertain significance. Last evaluated: 2025-05-06. Review status: criteria provided, single submitter. Criteria: Invitae Variant Classification Sherloc (09022015). Collection method: clinical testing. Allele origin: germline.
Comment: This sequence change replaces methionine, which is neutral and non-polar, with valine, which is neutral and non-polar, at codon 1420 of the CAMTA1 protein (p.Met1420Val). This variant is not present in population databases (gnomAD no frequency). This variant has not been reported in the literature in individuals affected with CAMTA1-related conditions. ClinVar contains an entry for this variant (Variation ID: 1956906). Invitae Evidence Modeling of protein sequence and biophysical properties (such as structural, functional, and spatial information, amino acid conservation, physicochemical variation, residue mobility, and thermodynamic stability) indicates that this missense variant is not expected to disrupt CAMTA1 protein function with a negative predictive value of 80%. In summary, the available evidence is currently insufficient to determine the role of this variant in disease. Therefore, it has been classified as a Variant of Uncertain Significance.

GeneDx
Classification: Uncertain significance. Last evaluated: 2024-10-30. Review status: criteria provided, single submitter. Criteria: GeneDx Variant Classification Process June 2021. Collection method: clinical testing. Allele origin: germline. Affected: yes.
Comment: Not observed at significant frequency in large population cohorts (gnomAD); In silico analysis indicates that this missense variant does not alter protein structure/function; Has not been previously published as pathogenic or benign to our knowledge

NM_015215.4(CAMTA1):c.4258A>G (p.Met1420Val)

Gene: CAMTA1 (calmodulin binding transcription activator 1; plus strand). Cytogenetic location: 1p36.23.
Variant type: single nucleotide variant.
Coding change: c.4258A>G on transcript NM_015215.4 (MANE Select); coding-DNA position 4258, A replaced by G.
Protein change: p.Met1420Val; replaces methionine 1420 with valine.
Molecular consequence: missense variant.
Genome position (GRCh38, 1-based): chr1:7,744,910, A>G. VCF-style: chr1-7744910-A-G. GRCh37 (hg19) VCF-style: chr1-7804970-A-G.
Other names: c.4168A>G, p.Met1390Val (NM_001349608.2); c.3919A>G, p.Met1307Val (NM_001349609.2, NM_001349610.2, NM_001410737.1); c.3829A>G, p.Met1277Val (NM_001349612.2); c.1387A>G, p.Met463Val (NM_001349613.1); c.1330A>G, p.Met444Val (NM_001349614.1, NM_001349615.2, NM_001349616.2 and 2 more transcripts); c.991A>G, p.Met331Val (NM_001349619.2, NM_001349620.1, NM_001349621.1 and 5 more transcripts); c.3847A>G, p.Met1283Val (NM_001410738.1); c.4258A>G (NM_015215.3); short protein forms M1420V, M1390V, M1277V, M1283V, M331V, M463V, M1307V, M444V.
Identifiers: ClinVar variation 1956906 (VCV001956906.6), dbSNP rs1044662898, ClinGen allele CA17236342.